The following is an entry in ClinVar:

NM_002047.4(GARS1):c.2173C>G (p.Leu725Val)

Gene: GARS1 (glycyl-tRNA synthetase 1; plus strand). Cytogenetic location: 7p14.3.
Variant type: single nucleotide variant.
Coding change: c.2173C>G on transcript NM_002047.4 (MANE Select); coding-DNA position 2173, C replaced by G.
Protein change: p.Leu725Val; replaces leucine 725 with valine.
Molecular consequence: missense variant.
Genome position (GRCh38, 1-based): chr7:30,633,813, C>G. VCF-style: chr7-30633813-C-G. GRCh37 (hg19) VCF-style: chr7-30673429-C-G.
Other names: c.2011C>G, p.Leu671Val (NM_001316772.1); short protein forms L671V, L725V.
Identifiers: ClinVar variation 3674843 (VCV003674843.3).

ClinVar aggregate classification (germline): Conflicting classifications of pathogenicity. Review status: criteria provided, conflicting classifications (1 of 4 stars). 2 submissions from 2 submitters: Uncertain significance (1); Likely benign (1). Last evaluated 2025-01-22.

Conditions:
Charcot-Marie-Tooth disease type 2. Also called: Charcot-Marie-Tooth type 2. Identifiers: Orphanet 64746, MedGen C0270914, MONDO:0018993.

Submissions (2):

Ambry Genetics
Classification: Likely benign. Last evaluated: 2025-01-22. Review status: criteria provided, single submitter. Criteria: Ambry Variant Classification Scheme 2023. Collection method: clinical testing. Allele origin: germline.

Labcorp Genetics (formerly Invitae), Labcorp
Classification: Uncertain significance for Charcot-Marie-Tooth disease type 2. Last evaluated: 2024-10-22. Review status: criteria provided, single submitter. Criteria: Invitae Variant Classification Sherloc (09022015). Collection method: clinical testing. Allele origin: germline.
Comment: This sequence change replaces leucine, which is neutral and non-polar, with valine, which is neutral and non-polar, at codon 725 of the GARS protein (p.Leu725Val). This variant is present in population databases (no rsID available, gnomAD 0.1%). This variant has not been reported in the literature in individuals affected with GARS-related conditions. Invitae Evidence Modeling of protein sequence and biophysical properties (such as structural, functional, and spatial information, amino acid conservation, physicochemical variation, residue mobility, and thermodynamic stability) indicates that this missense variant is not expected to disrupt GARS protein function with a negative predictive value of 80%. In summary, the available evidence is currently insufficient to determine the role of this variant in disease. Therefore, it has been classified as a Variant of Uncertain Significance.